The following is an entry in ClinVar:

NM_000065.5(C6):c.2317T>C (p.Cys773Arg)

Gene: C6 (complement C6; minus strand). Cytogenetic location: 5p13.1.
Variant type: single nucleotide variant.
Coding change: c.2317T>C on transcript NM_000065.5 (MANE Select); coding-DNA position 2317, T replaced by C.
Protein change: p.Cys773Arg; replaces cysteine 773 with arginine.
Molecular consequence: missense variant.
Genome position (GRCh38, 1-based): chr5:41,149,999, A>G on the plus strand (T>C on the coding strand, the complement: C6 is on the minus strand). VCF-style: chr5-41149999-A-G. GRCh37 (hg19) VCF-style: chr5-41150101-A-G.
Other names: c.2317T>C, p.Cys773Arg (NM_001115131.4); short protein forms C773R.
Identifiers: ClinVar variation 2247897 (VCV002247897.3), dbSNP rs2478216069, ClinGen allele CA359594130.

ClinVar aggregate classification (germline): Uncertain significance. Review status: criteria provided, multiple submitters, no conflicts (2 of 4 stars). 2 submissions from 2 submitters: Uncertain significance (2). Last evaluated 2025-04-26.

Conditions:
Inborn genetic diseases. Identifiers: MedGen C0950123, MeSH D030342.

Submissions (2):

Labcorp Genetics (formerly Invitae), Labcorp
Classification: Uncertain significance. Last evaluated: 2025-04-26. Review status: criteria provided, single submitter. Criteria: Invitae Variant Classification Sherloc (09022015). Collection method: clinical testing. Allele origin: germline.
Comment: This sequence change replaces cysteine, which is neutral and slightly polar, with arginine, which is basic and polar, at codon 773 of the C6 protein (p.Cys773Arg). This variant is not present in population databases (gnomAD no frequency). This variant has not been reported in the literature in individuals affected with C6-related conditions. ClinVar contains an entry for this variant (Variation ID: 2247897). An algorithm developed to predict the effect of missense changes on protein structure and function (PolyPhen-2) suggests that this variant is likely to be disruptive. In summary, the available evidence is currently insufficient to determine the role of this variant in disease. Therefore, it has been classified as a Variant of Uncertain Significance.

Ambry Genetics
Classification: Uncertain significance for Inborn genetic diseases. Last evaluated: 2021-09-01. Review status: criteria provided, single submitter. Criteria: Ambry Variant Classification Scheme 2023. Collection method: clinical testing. Allele origin: germline.